The following is an entry in ClinVar:

NM_002098.6(GUCA1B):c.465G>T (p.Glu155Asp)

Gene: GUCA1B (guanylate cyclase activator 1B; minus strand). Cytogenetic location: 6p21.1.
Variant type: single nucleotide variant.
Coding change: c.465G>T on transcript NM_002098.6 (MANE Select); coding-DNA position 465, G replaced by T.
Protein change: p.Glu155Asp; replaces glutamic acid 155 with aspartic acid.
Molecular consequence: missense variant.
Genome position (GRCh38, 1-based): chr6:42,185,690, C>A on the plus strand (G>T on the coding strand, the complement: GUCA1B is on the minus strand). VCF-style: chr6-42185690-C-A. GRCh37 (hg19) VCF-style: chr6-42153428-C-A.
Other names: short protein forms E155D.
Identifiers: ClinVar variation 356734 (VCV000356734.39), dbSNP rs139923590, ClinGen allele CA3805547.

ClinVar aggregate classification (germline): Benign. Review status: criteria provided, multiple submitters, no conflicts (2 of 4 stars). 3 submissions from 3 submitters: Benign (3). Last evaluated 2026-02-01.

Conditions:
Retinitis pigmentosa (RP). Identifiers: Orphanet 791, MedGen C0035334, MeSH D012174, MONDO:0019200, OMIM 268000. Inheritance: Autosomal dominant, autosomal recessive and X linked inheritance.

Allele frequency attached by ClinVar (database versions not stated): gnomAD 0.00822 and 0.00783; gnomAD exomes 0.00845 and 0.01050; ExAC 0.00866; 1000 Genomes Project 30x 0.00265; 1000 Genomes Project 0.00300; TOPMed 0.00688; ESP Exome Variant Server 0.00800.
gnomAD v4.1: 16,109 of 1,584,302 alleles (1%); highest among the groups gnomAD compares: Non-Finnish European, 1.2%; 134 homozygotes.

Submissions (3):

Labcorp Genetics (formerly Invitae), Labcorp
Classification: Benign. Last evaluated: 2026-02-01. Review status: criteria provided, single submitter. Criteria: Invitae Variant Classification Sherloc (09022015). Collection method: clinical testing. Allele origin: germline.

CeGaT Center for Human Genetics Tuebingen
Classification: Benign. Last evaluated: 2025-04-01. Review status: criteria provided, single submitter. Criteria: CeGaT Center For Human Genetics Tuebingen Variant Classification Criteria Version 2. Collection method: clinical testing. Allele origin: germline. Affected: yes. Observed: 5 variant alleles.
Comment: GUCA1B: BP4, BS1, BS2

Illumina Laboratory Services, Illumina
Classification: Benign for Retinitis pigmentosa. Last evaluated: 2018-01-13. Review status: criteria provided, single submitter. Criteria: ICSL Variant Classification Criteria 13 December 2019. Collection method: clinical testing. Allele origin: germline.
Comment: This variant was observed in the ICSL laboratory as part of a predisposition screen in an ostensibly healthy population. It had not been previously curated by ICSL or reported in the Human Gene Mutation Database (HGMD: prior to June 1st, 2018), and was therefore a candidate for classification through an automated scoring system. Utilizing variant allele frequency, disease prevalence and penetrance estimates, and inheritance mode, an automated score was calculated to assess if this variant is too frequent to cause the disease. Based on the score and internal cut-off values, a variant classified as benign is not then subjected to further curation. The score for this variant resulted in a classification of benign for this disease.